The following is an entry in ClinVar:

NC_000016.9:g.(?_74485954)_(75339100_?)dup

Genes: ZNRF1 (zinc and ring finger 1; plus strand), ZFP1 (ZFP1 zinc finger protein; plus strand), BCAR1 (BCAR1 scaffold protein, Cas family member; minus strand), CFDP1 (craniofacial development protein 1; minus strand), CTRB1 (chymotrypsinogen B1; plus strand) and 7 more. Cytogenetic location: 16q23.1.
Variant type: Duplication.
Identifiers: ClinVar variation 2426812 (VCV002426812.4).

ClinVar aggregate classification (germline): Uncertain significance (1 of 4 stars; one submission).

Conditions:
Spastic paraplegia. Identifiers: MedGen C0037772, HP:0001258.

Submission:

Labcorp Genetics (formerly Invitae), Labcorp
Classification: Uncertain significance for Spastic paraplegia. Last evaluated: 2022-07-11. Review status: criteria provided, single submitter. Criteria: Invitae Variant Classification Sherloc (09022015). Collection method: clinical testing. Allele origin: germline.
Comment: In summary, the available evidence is currently insufficient to determine the role of this variant in disease. Therefore, it has been classified as a Variant of Uncertain Significance. This variant has not been reported in the literature in individuals affected with FA2H-related conditions. A copy number gain of the genomic region encompassing the full coding sequence of the FA2H gene has been identified. The boundaries of this event are unknown as they extend beyond the assayed region for this gene and therefore may encompass additional genes. As the precise location of this event is unknown, it may be in tandem or it may be located elsewhere in the genome.